The following is an entry in ClinVar:

NM_000195.5(HPS1):c.848G>T (p.Gly283Val)

Gene: HPS1 (HPS1 biogenesis of lysosomal organelles complex 3 subunit 1; minus strand). Cytogenetic location: 10q24.2.
Variant type: single nucleotide variant.
Coding change: c.848G>T on transcript NM_000195.5 (MANE Select); coding-DNA position 848, G replaced by T.
Protein change: p.Gly283Val; replaces glycine 283 with valine.
Molecular consequence: missense variant. On other transcripts: 5 prime UTR variant (1), intron variant (8).
Genome position (GRCh38, 1-based): chr10:98,429,810, C>A on the plus strand (G>T on the coding strand, the complement: HPS1 is on the minus strand). VCF-style: chr10-98429810-C-A. GRCh37 (hg19) VCF-style: chr10-100189567-C-A.
Other names: c.848G>T, p.Gly283Val (NM_001322476.2, NM_001322477.2, NM_182639.4); c.587G>T, p.Gly196Val (NM_001322480.2, NM_001322481.2); c.479G>T, p.Gly160Val (NM_001322483.2, NM_001322484.2); c.-125G>T (NM_001322487.2); c.730G>T, p.Gly244Trp (NM_001322490.2); c.769-168G>T (NM_001322478.2, NM_001322479.2, NM_001322491.2); c.400-168G>T (NM_001322485.2); c.508-168G>T (NM_001322482.2); and 2 more; short protein forms G283V, G160V, G196V, G244W.
Identifiers: ClinVar variation 2156437 (VCV002156437.1), dbSNP rs74154475, ClinGen allele CA5639260.

ClinVar aggregate classification (germline): Uncertain significance (1 of 4 stars; one submission).

gnomAD v4.1: 32 of 1,613,716 alleles (0.002%); highest among the groups gnomAD compares: South Asian, 0.0066%; no homozygotes.

Submission:

Labcorp Genetics (formerly Invitae), Labcorp
Classification: Uncertain significance. Last evaluated: 2021-12-22. Review status: criteria provided, single submitter. Criteria: Invitae Variant Classification Sherloc (09022015). Collection method: clinical testing. Allele origin: germline.
Comment: This sequence change replaces glycine, which is neutral and non-polar, with valine, which is neutral and non-polar, at codon 283 of the HPS1 protein (p.Gly283Val). This variant is present in population databases (rs74154475, gnomAD 0.01%). This variant has not been reported in the literature in individuals affected with HPS1-related conditions. Algorithms developed to predict the effect of missense changes on protein structure and function (SIFT, PolyPhen-2, Align-GVGD) all suggest that this variant is likely to be tolerated. In summary, the available evidence is currently insufficient to determine the role of this variant in disease. Therefore, it has been classified as a Variant of Uncertain Significance.